The following is an entry in ClinVar:

ClinVar aggregate classification (germline): Uncertain significance. Review status: criteria provided, multiple submitters, no conflicts (2 of 4 stars). 2 submissions from 2 submitters: Uncertain significance (2). Last evaluated 2023-03-26.

Conditions:
Primary dilated cardiomyopathy (DCM). Also called: Dilated Cardiomyopathy. Identifiers: Orphanet 217604, MedGen C0007193, MeSH D002311, MONDO:0005021, HP:0001644. Inheritance: Various modes of inheritance.
Cardiovascular phenotype. Identifiers: MedGen CN230736.

Allele frequency attached by ClinVar (database versions not stated): gnomAD 0.00001; TOPMed 0.00001.
gnomAD v4.1: 1 of 1,611,150 alleles (0.000062%); highest among the groups gnomAD compares: African/African-American, 0.0013%; no homozygotes.

Submissions (2):

Labcorp Genetics (formerly Invitae), Labcorp
Classification: Uncertain significance for Primary dilated cardiomyopathy. Last evaluated: 2023-03-26. Review status: criteria provided, single submitter. Criteria: Invitae Variant Classification Sherloc (09022015). Collection method: clinical testing. Allele origin: germline.
Comment: In summary, the available evidence is currently insufficient to determine the role of this variant in disease. Therefore, it has been classified as a Variant of Uncertain Significance. Advanced modeling of protein sequence and biophysical properties (such as structural, functional, and spatial information, amino acid conservation, physicochemical variation, residue mobility, and thermodynamic stability) performed at Invitae indicates that this missense variant is not expected to disrupt TXNRD2 protein function. ClinVar contains an entry for this variant (Variation ID: 1762110). This variant has not been reported in the literature in individuals affected with TXNRD2-related conditions. This variant is not present in population databases (gnomAD no frequency). This sequence change replaces histidine, which is basic and polar, with arginine, which is basic and polar, at codon 271 of the TXNRD2 protein (p.His271Arg).

Ambry Genetics
Classification: Uncertain significance for Cardiovascular phenotype. Last evaluated: 2022-05-31. Review status: criteria provided, single submitter. Criteria: Ambry Variant Classification Scheme 2023. Collection method: clinical testing. Allele origin: germline.
Comment: The p.H271R variant (also known as c.812A>G), located in coding exon 11 of the TXNRD2 gene, results from an A to G substitution at nucleotide position 812. The histidine at codon 271 is replaced by arginine, an amino acid with highly similar properties. This amino acid position is conserved. In addition, this alteration is predicted to be tolerated by in silico analysis. Since supporting evidence is limited at this time, the clinical significance of this alteration remains unclear.

NM_006440.5(TXNRD2):c.812A>G (p.His271Arg)

Gene: TXNRD2 (thioredoxin reductase 2; minus strand). Cytogenetic location: 22q11.21.
Variant type: single nucleotide variant.
Coding change: c.812A>G on transcript NM_006440.5 (MANE Select); coding-DNA position 812, A replaced by G.
Protein change: p.His271Arg; replaces histidine 271 with arginine.
Molecular consequence: missense variant. On other transcripts: non-coding transcript variant (1).
Genome position (GRCh38, 1-based): chr22:19,895,544, T>C on the plus strand (A>G on the coding strand, the complement: TXNRD2 is on the minus strand). VCF-style: chr22-19895544-T-C. GRCh37 (hg19) VCF-style: chr22-19883067-T-C.
Other names: c.812A>G, p.His271Arg (NM_001282512.3); c.809A>G, p.His270Arg (NM_001352300.2); c.722A>G, p.His241Arg (NM_001352301.2); c.524A>G, p.His175Arg (NM_001352302.2); c.716A>G, p.His239Arg (NM_001352303.2); short protein forms H175R, H270R, H239R, H241R, H271R.
Identifiers: ClinVar variation 1762110 (VCV001762110.5), dbSNP rs1444083785, ClinGen allele CA410686711.
Genomic context (GRCh38, chr22:19,895,544, plus strand): 5'-TGGCCATCAGGGAGCCTCCTGACCCGCGAGGGGGCACAGCCCCTCAGGAACCGGGTGCCA[T>C]GAGATGCCATGTGCTCTATGACCATGGAGGACATTTGCTGCAAAGCACAAGAAGACAGGC-3'
Protein context (NP_006431.2, residues 261-281): SSMVIEHMAS[His271Arg]GTRFLRGCAP